The following is an entry in ClinVar:

NM_002907.4(RECQL):c.1448-12_1448-8del

Gene: RECQL (RecQ like helicase; minus strand). Cytogenetic location: 12p12.1.
Variant type: Deletion.
Coding change: c.1448-12_1448-8del on transcript NM_002907.4 (MANE Select); 12 bases into the intron before coding-DNA position 1448 through 8 bases into the intron before coding-DNA position 1448, 5 bases deleted (GTTTT; older notation c.1448-12_1448-8delGTTTT).
Molecular consequence: intron variant.
Genome position (GRCh38, 1-based): chr12:21,471,655-21,471,659, AAAAC deleted on the plus strand (GTTTT on the coding strand, the reverse complement: RECQL is on the minus strand); deleting any 5 consecutive bases within chr12:21,471,655-21,471,662 gives the same sequence; the c. name uses the placement nearest the transcript's 3' end. VCF-style (leftmost placement, unchanged base first): chr12-21471654-TAAAAC-T. GRCh37 (hg19) VCF-style: chr12-21624588-TAAAAC-T.
Other names: c.1448-12_1448-8del (NM_032941.3).
Identifiers: ClinVar variation 1810738 (VCV001810738.2), dbSNP rs1942968831, ClinGen allele CA645590160.

ClinVar aggregate classification (germline): Uncertain significance (1 of 4 stars; one submission).

Submission:

GeneDx
Classification: Uncertain significance. Last evaluated: 2025-01-29. Review status: criteria provided, single submitter. Criteria: GeneDx Variant Classification Process June 2021. Collection method: clinical testing. Allele origin: germline.
Comment: In silico analysis is inconclusive as to whether the variant alters gene splicing. In the absence of RNA/functional studies, the actual effect of this sequence change is unknown.; Has not been previously published as pathogenic or benign to our knowledge; Variants in candidate genes are classified as variants of uncertain significance in accordance with ACMG guidelines (PMID: 25741868); Not observed at significant frequency in large population cohorts (gnomAD)